The following is an entry in ClinVar:

ClinVar aggregate classification (germline): Uncertain significance (1 of 4 stars; one submission).

Allele frequency attached by ClinVar (database versions not stated): TOPMed below 0.00001; gnomAD 0.00001.
gnomAD v4.1: 1 of 1,613,864 alleles (0.000062%); highest among the groups gnomAD compares: African/African-American, 0.0013%; no homozygotes.

Submission:

Labcorp Genetics (formerly Invitae), Labcorp
Classification: Uncertain significance. Last evaluated: 2024-02-17. Review status: criteria provided, single submitter. Criteria: Invitae Variant Classification Sherloc (09022015). Collection method: clinical testing. Allele origin: germline.
Comment: This sequence change replaces cysteine, which is neutral and slightly polar, with serine, which is neutral and polar, at codon 1742 of the ITPR1 protein (p.Cys1742Ser). This variant is not present in population databases (gnomAD no frequency). This variant has not been reported in the literature in individuals affected with ITPR1-related conditions. ClinVar contains an entry for this variant (Variation ID: 1398949). Advanced modeling of protein sequence and biophysical properties (such as structural, functional, and spatial information, amino acid conservation, physicochemical variation, residue mobility, and thermodynamic stability) performed at Invitae indicates that this missense variant is not expected to disrupt ITPR1 protein function with a negative predictive value of 80%. In summary, the available evidence is currently insufficient to determine the role of this variant in disease. Therefore, it has been classified as a Variant of Uncertain Significance.

NM_001378452.1(ITPR1):c.5413T>A (p.Cys1805Ser)

Gene: ITPR1 (inositol 1,4,5-trisphosphate receptor type 1; plus strand). Cytogenetic location: 3p26.1.
Variant type: single nucleotide variant.
Coding change: c.5413T>A on transcript NM_001378452.1 (MANE Select); coding-DNA position 5413, T replaced by A.
Protein change: p.Cys1805Ser; replaces cysteine 1805 with serine.
Molecular consequence: missense variant.
Genome position (GRCh38, 1-based): chr3:4,735,223, T>A. VCF-style: chr3-4735223-T-A. GRCh37 (hg19) VCF-style: chr3-4776907-T-A.
Other names: c.5269T>A, p.Cys1757Ser (NM_001099952.4); c.5368T>A, p.Cys1790Ser (NM_001168272.2); c.5224T>A, p.Cys1742Ser (NM_002222.7); short protein forms C1790S, C1805S, C1742S, C1757S.
Identifiers: ClinVar variation 1398949 (VCV001398949.8), dbSNP rs1377176027, ClinGen allele CA351639056.